The following is an entry in ClinVar:

NM_198576.4(AGRN):c.4507G>A (p.Ala1503Thr)

Gene: AGRN (agrin; plus strand). Cytogenetic location: 1p36.33.
Variant type: single nucleotide variant.
Coding change: c.4507G>A on transcript NM_198576.4 (MANE Select); coding-DNA position 4507, G replaced by A.
Protein change: p.Ala1503Thr; replaces alanine 1503 with threonine.
Molecular consequence: missense variant.
Genome position (GRCh38, 1-based): chr1:1,049,444, G>A. VCF-style: chr1-1049444-G-A. GRCh37 (hg19) VCF-style: chr1-984824-G-A.
Other names: c.4507G>A, p.Ala1503Thr (NM_001305275.2); c.4192G>A, p.Ala1398Thr (NM_001364727.2); short protein forms A1398T, A1503T.
Identifiers: ClinVar variation 659427 (VCV000659427.8), dbSNP rs1237992098, ClinGen allele CA337777581.

ClinVar aggregate classification (germline): Uncertain significance (1 of 4 stars; one submission).

Conditions:
Congenital myasthenic syndrome 8. Also called: MYASTHENIC SYNDROME, CONGENITAL, DUE TO AGRIN DEFICIENCY; Myasthenic syndrome, congenital, 8, with pre- and postsynaptic defects. Identifiers: Orphanet 590, MedGen C3808739, MONDO:0014052, OMIM 615120.

Allele frequency attached by ClinVar (database versions not stated): gnomAD exomes below 0.00001; TOPMed below 0.00001.

Submission:

Labcorp Genetics (formerly Invitae), Labcorp
Classification: Uncertain significance for Congenital myasthenic syndrome 8. Last evaluated: 2022-10-13. Review status: criteria provided, single submitter. Criteria: Invitae Variant Classification Sherloc (09022015). Collection method: clinical testing. Allele origin: germline.
Comment: This sequence change replaces alanine, which is neutral and non-polar, with threonine, which is neutral and polar, at codon 1503 of the AGRN protein (p.Ala1503Thr). This variant is not present in population databases (gnomAD no frequency). This variant has not been reported in the literature in individuals affected with AGRN-related conditions. ClinVar contains an entry for this variant (Variation ID: 659427). Algorithms developed to predict the effect of missense changes on protein structure and function (SIFT, PolyPhen-2, Align-GVGD) all suggest that this variant is likely to be tolerated. In summary, the available evidence is currently insufficient to determine the role of this variant in disease. Therefore, it has been classified as a Variant of Uncertain Significance.